The following is an entry in ClinVar:

ClinVar aggregate classification (germline): Uncertain significance (1 of 4 stars; one submission).

Conditions:
Tietz syndrome (TADS). Also called: HYPOPIGMENTATION/DEAFNESS OF TIETZ; TIETZ ALBINISM-DEAFNESS SYNDROME; ALBINISM-DEAFNESS OF TIETZ. Identifiers: Orphanet 42665, MedGen C0391816, MONDO:0007077, OMIM 103500.
Waardenburg syndrome type 2A (WS2A). Also called: WAARDENBURG SYNDROME WITHOUT DYSTOPIA CANTHORUM. Identifiers: Orphanet 3440, MedGen C1860339, MONDO:0008671, OMIM 193510.
Melanoma, cutaneous malignant, susceptibility to, 8. Also called: MELANOMA AND RENAL CELL CARCINOMA, SUSCEPTIBILITY TO; Cutaneous malignant melanoma 8. Identifiers: Orphanet 293822, MedGen C3152204, MONDO:0013759, OMIM 614456.

Submission:

Labcorp Genetics (formerly Invitae), Labcorp
Classification: Uncertain significance for Melanoma, cutaneous malignant, susceptibility to, 8; Waardenburg syndrome type 2A; Tietz syndrome. Last evaluated: 2025-06-08. Review status: criteria provided, single submitter. Criteria: Invitae Variant Classification Sherloc (09022015). Collection method: clinical testing. Allele origin: germline.
Comment: This sequence change replaces methionine, which is neutral and non-polar, with threonine, which is neutral and polar, at codon 144 of the MITF protein (p.Met144Thr). This variant is not present in population databases (gnomAD no frequency). This variant has not been reported in the literature in individuals affected with MITF-related conditions. ClinVar contains an entry for this variant (Variation ID: 3755518). Invitae Evidence Modeling of protein sequence and biophysical properties (such as structural, functional, and spatial information, amino acid conservation, physicochemical variation, residue mobility, and thermodynamic stability) indicates that this missense variant is not expected to disrupt MITF protein function with a negative predictive value of 80%. In summary, the available evidence is currently insufficient to determine the role of this variant in disease. Therefore, it has been classified as a Variant of Uncertain Significance.

NM_001354604.2(MITF):c.752T>C (p.Met251Thr)

Gene: MITF (melanocyte inducing transcription factor; plus strand). Cytogenetic location: 3p13.
Variant type: single nucleotide variant.
Coding change: c.752T>C on transcript NM_001354604.2 (MANE Select); coding-DNA position 752, T replaced by C.
Protein change: p.Met251Thr; replaces methionine 251 with threonine.
Molecular consequence: missense variant.
Genome position (GRCh38, 1-based): chr3:69,941,321, T>C. VCF-style: chr3-69941321-T-C. GRCh37 (hg19) VCF-style: chr3-69990472-T-C.
Other names: c.431T>C, p.Met144Thr (NM_000248.4, NM_198158.3); c.596T>C, p.Met199Thr (NM_001184967.2, NM_001354608.2); c.749T>C, p.Met250Thr (NM_001354605.2, NM_001354606.2, NM_006722.3); c.701T>C, p.Met234Thr (NM_001354607.2); c.752T>C, p.Met251Thr (NM_198159.3); c.704T>C, p.Met235Thr (NM_198177.3); c.263T>C, p.Met88Thr (NM_198178.3); short protein forms M144T, M199T, M234T, M235T, M250T, M251T, M88T.
Identifiers: ClinVar variation 3755518 (VCV003755518.2).